The following is an entry in ClinVar:

NM_000195.5(HPS1):c.1887dup (p.Val630fs)

Gene: HPS1 (HPS1 biogenesis of lysosomal organelles complex 3 subunit 1; minus strand). Cytogenetic location: 10q24.2.
Variant type: Duplication.
Coding change: c.1887dup on transcript NM_000195.5 (MANE Select); coding-DNA position 1887, one base duplicated (C; older notation c.1887dupC).
Protein change: p.Val630fs; shifts the reading frame from valine 630.
Molecular consequence: frameshift variant.
Genome position (GRCh38, 1-based): chr10:98,418,228, G duplicated on the plus strand (C on the coding strand, the reverse complement: HPS1 is on the minus strand); the first of 3 consecutive G bases (chr10:98,418,228-98,418,230); duplicating any one gives the same sequence. VCF-style (leftmost placement, unchanged base first): chr10-98418227-C-CG. GRCh37 (hg19) VCF-style: chr10-100177984-C-CG.
Other names: c.915dup, p.Val306fs (NM_001311345.2, NM_001322487.2, NM_001322489.2); c.1887dup, p.Val630fs (NM_001322476.2, NM_001322477.2); c.1788dup, p.Val597fs (NM_001322478.2, NM_001322479.2); c.1626dup, p.Val543fs (NM_001322480.2, NM_001322481.2); c.1527dup, p.Val510fs (NM_001322482.2); c.1518dup, p.Val507fs (NM_001322483.2, NM_001322484.2); c.1419dup, p.Val474fs (NM_001322485.2); short protein forms V306fs, V474fs, V507fs, V510fs, V543fs, V597fs, V630fs.
Identifiers: ClinVar variation 1076439 (VCV001076439.9), dbSNP rs1844371653, ClinGen allele CA1930890437.

ClinVar aggregate classification (germline): Pathogenic (1 of 4 stars; one submission).

Submission:

Labcorp Genetics (formerly Invitae), Labcorp
Classification: Pathogenic. Last evaluated: 2022-05-13. Review status: criteria provided, single submitter. Criteria: Invitae Variant Classification Sherloc (09022015). Collection method: clinical testing. Allele origin: germline.
Comment: For these reasons, this variant has been classified as Pathogenic. This variant disrupts a region of the HPS1 protein in which other variant(s) (p.Gln686*) have been determined to be pathogenic (PMID: 26575419). This suggests that this is a clinically significant region of the protein, and that variants that disrupt it are likely to be disease-causing. ClinVar contains an entry for this variant (Variation ID: 1076439). This variant has not been reported in the literature in individuals affected with HPS1-related conditions. This variant is not present in population databases (gnomAD no frequency). This sequence change creates a premature translational stop signal (p.Val630Argfs*49) in the HPS1 gene. While this is not anticipated to result in nonsense mediated decay, it is expected to disrupt the last 71 amino acid(s) of the HPS1 protein.

Literature cited by the submitters: PubMed 26575419.